The following is an entry in ClinVar:

ClinVar aggregate classification (germline): Uncertain significance (1 of 4 stars; one submission).

Conditions:
Inborn genetic diseases. Identifiers: MedGen C0950123, MeSH D030342.

Submission:

Ambry Genetics
Classification: Uncertain significance for Inborn genetic diseases. Last evaluated: 2025-01-13. Review status: criteria provided, single submitter. Criteria: Ambry Variant Classification Scheme 2023. Collection method: clinical testing. Allele origin: germline.
Comment: The p.Q518P variant (also known as c.1553A>C), located in coding exon 1 of the SAMD9L gene, results from an A to C substitution at nucleotide position 1553. The glutamine at codon 518 is replaced by proline, an amino acid with similar properties. This amino acid position is conserved. In addition, this alteration is predicted to be tolerated by in silico analysis. Based on the available evidence, the clinical significance of this variant remains unclear.

NM_152703.5(SAMD9L):c.1553A>C (p.Gln518Pro)

Gene: SAMD9L (sterile alpha motif domain containing 9 like; minus strand). Cytogenetic location: 7q21.2.
Variant type: single nucleotide variant.
Coding change: c.1553A>C on transcript NM_152703.5 (MANE Select); coding-DNA position 1553, A replaced by C.
Protein change: p.Gln518Pro; replaces glutamine 518 with proline.
Molecular consequence: missense variant.
Genome position (GRCh38, 1-based): chr7:93,134,419, T>G on the plus strand (A>C on the coding strand, the complement: SAMD9L is on the minus strand). VCF-style: chr7-93134419-T-G. GRCh37 (hg19) VCF-style: chr7-92763732-T-G.
Other names: c.1553A>C, p.Gln518Pro (NM_001303496.3, NM_001303497.3, NM_001303498.3 and 5 more transcripts); short protein forms Q518P.
Identifiers: ClinVar variation 3792309 (VCV003792309.1).